The following is an entry in ClinVar:

ClinVar aggregate classification (germline): Likely pathogenic (1 of 4 stars; one submission).

Allele frequency attached by ClinVar (database versions not stated): gnomAD exomes below 0.00001 and 0.00001; ExAC 0.00001; gnomAD 0.00001; TOPMed 0.00002; ESP Exome Variant Server 0.00008.
gnomAD v4.1: 10 of 1,613,416 alleles (0.00062%); highest among the groups gnomAD compares: Non-Finnish European, 0.00085%; no homozygotes.

Submission:

GeneDx
Classification: Likely pathogenic. Last evaluated: 2014-04-07. Review status: criteria provided, single submitter. Criteria: GeneDx Variant Classification (06012015). Collection method: clinical testing. Allele origin: germline. Affected: yes.
Comment: p.Asp190Gly (GAC>GGC): c.569 A>G in exon 6 of the NDUFV2 gene (NM_021074.3). The D190G variant that is likely pathogenic identified in the NDUFV2 gene has not been published as a mutation, nor has it been reported as a benign polymorphism to our knowledge. The D190G variant is a non-conservative amino acid substitution, which is likely to impact secondary protein structure as these residues differ in polarity, charge, size and/or other properties. This substitution occurs at a position that is highly conserved across species. In silico analysis predicts this variant is probably damaging to the protein structure/function. Therefore, this variant is a strong candidate for a pathogenic mutation, however the possibility that it is a benign variant cannot be excluded. The variant is found in MITONUC-MITOP panel(s).

NM_021074.5(NDUFV2):c.569A>G (p.Asp190Gly)

Genes: NDUFV2 (NADH:ubiquinone oxidoreductase core subunit V2; plus strand), NDUFV2-AS1 (NDUFV2 antisense RNA 1; minus strand). Cytogenetic location: 18p11.22.
Variant type: single nucleotide variant.
Coding change: c.569A>G on transcript NM_021074.5 (MANE Select); coding-DNA position 569, A replaced by G.
Protein change: p.Asp190Gly; replaces aspartic acid 190 with glycine.
Molecular consequence: missense variant.
Genome position (GRCh38, 1-based): chr18:9,124,973, A>G. VCF-style: chr18-9124973-A-G. GRCh37 (hg19) VCF-style: chr18-9124971-A-G.
Other names: p.D190G:GAC>GGC; short protein forms D190G.
Identifiers: ClinVar variation 214866 (VCV000214866.2), dbSNP rs371040282, ClinGen allele CA323138.